The following is an entry in ClinVar:

ClinVar aggregate classification (germline): Uncertain significance. Review status: criteria provided, multiple submitters, no conflicts (2 of 4 stars). 2 submissions from 2 submitters: Uncertain significance (2). Last evaluated 2025-05-12.

Allele frequency attached by ClinVar (database versions not stated): TOPMed below 0.00001; gnomAD 0.00001; gnomAD exomes below 0.00001.
gnomAD v4.1: 3 of 1,612,556 alleles (0.00019%); highest among the groups gnomAD compares: African/African-American, 0.0013%; no homozygotes.

Submissions (2):

Labcorp Genetics (formerly Invitae), Labcorp
Classification: Uncertain significance. Last evaluated: 2025-05-12. Review status: criteria provided, single submitter. Criteria: Invitae Variant Classification Sherloc (09022015). Collection method: clinical testing. Allele origin: germline.
Comment: This sequence change falls in intron 16 of the LRPPRC gene. It does not directly change the encoded amino acid sequence of the LRPPRC protein. It affects a nucleotide within the consensus splice site. This variant is present in population databases (no rsID available, gnomAD 0.0009%). This variant has not been reported in the literature in individuals affected with LRPPRC-related conditions. ClinVar contains an entry for this variant (Variation ID: 1379179). Variants that disrupt the consensus splice site are a relatively common cause of aberrant splicing (PMID: 17576681, 9536098). Algorithms developed to predict the effect of sequence changes on RNA splicing suggest that this variant may disrupt the consensus splice site. In summary, the available evidence is currently insufficient to determine the role of this variant in disease. Therefore, it has been classified as a Variant of Uncertain Significance.

Women's Health and Genetics/Laboratory Corporation of America, LabCorp
Classification: Uncertain significance. Last evaluated: 2024-09-09. Review status: criteria provided, single submitter. Criteria: LabCorp Variant Classification Summary - May 2015. Collection method: clinical testing. Allele origin: germline.

Literature cited by the submitters: PubMed 17576681 (cited by Labcorp Genetics (formerly Invitae), Labcorp); PubMed 9536098 (cited by Labcorp Genetics (formerly Invitae), Labcorp).

NM_133259.4(LRPPRC):c.1735+3A>G

Gene: LRPPRC (leucine rich pentatricopeptide repeat containing; minus strand). Cytogenetic location: 2p21.
Variant type: single nucleotide variant.
Coding change: c.1735+3A>G on transcript NM_133259.4 (MANE Select); 3 bases into the intron after coding-DNA position 1735, A replaced by G.
Molecular consequence: intron variant.
Genome position (GRCh38, 1-based): chr2:43,949,599, T>C on the plus strand (A>G on the coding strand, the complement: LRPPRC is on the minus strand). VCF-style: chr2-43949599-T-C. GRCh37 (hg19) VCF-style: chr2-44176738-T-C.
Identifiers: ClinVar variation 1379179 (VCV001379179.5), dbSNP rs1406766485, ClinGen allele CA532286616.